The following is an entry in ClinVar:

NM_001267550.2(TTN):c.84819G>T (p.Trp28273Cys)

Genes: TTN (titin; minus strand), TTN-AS1 (TTN antisense RNA 1; plus strand). Cytogenetic location: 2q31.2.
Variant type: single nucleotide variant.
Coding change: c.84819G>T on transcript NM_001267550.2 (MANE Select); coding-DNA position 84819, G replaced by T.
Protein change: p.Trp28273Cys; replaces tryptophan 28273 with cysteine.
Molecular consequence: missense variant.
Genome position (GRCh38, 1-based): chr2:178,561,313, C>A on the plus strand (G>T on the coding strand, the complement: TTN is on the minus strand). VCF-style: chr2-178561313-C-A. GRCh37 (hg19) VCF-style: chr2-179426040-C-A.
Other names: c.79896G>T, p.Trp26632Cys (NM_001256850.1); c.57624G>T, p.Trp19208Cys (NM_003319.4); c.77115G>T, p.Trp25705Cys (NM_133378.4); c.57999G>T, p.Trp19333Cys (NM_133432.3); c.58200G>T, p.Trp19400Cys (NM_133437.4); short protein forms W19208C, W19333C, W19400C, W25705C, W26632C, W28273C.
Identifiers: ClinVar variation 5037838 (VCV005037838.1), dbSNP rs72648222.

ClinVar aggregate classification (germline): Likely benign (1 of 4 stars; one submission).

gnomAD v4.1: 2 of 1,613,794 alleles (0.00012%); highest among the groups gnomAD compares: African/African-American, 0.0013%; no homozygotes.

Submission:

Molecular Diagnostic Laboratory for Inherited Cardiovascular Disease, Montreal Heart Institute
Classification: Likely benign. Last evaluated: 2026-09-21. Review status: criteria provided, single submitter. Criteria: ACMG Guidelines, 2015. Collection method: clinical testing. Allele origin: germline. Affected: no.
Comment: BP1